The following is an entry in ClinVar:

NM_007194.4(CHEK2):c.1450C>T (p.Pro484Ser)

Gene: CHEK2 (checkpoint kinase 2; minus strand). Cytogenetic location: 22q12.1.
Variant type: single nucleotide variant.
Coding change: c.1450C>T on transcript NM_007194.4 (MANE Select); coding-DNA position 1450, C replaced by T.
Protein change: p.Pro484Ser; replaces proline 484 with serine.
Molecular consequence: missense variant.
Genome position (GRCh38, 1-based): chr22:28,694,043, G>A on the plus strand (C>T on the coding strand, the complement: CHEK2 is on the minus strand). VCF-style: chr22-28694043-G-A. GRCh37 (hg19) VCF-style: chr22-29090031-G-A.
Other names: c.1579C>T, p.Pro527Ser (NM_001005735.3); c.787C>T, p.Pro263Ser (NM_001257387.3); c.1249C>T, p.Pro417Ser (NM_001349956.3); c.1363C>T, p.Pro455Ser (NM_145862.3); short protein forms P484S, P417S, P455S, P527S, P263S.
Identifiers: ClinVar variation 628381 (VCV000628381.11), dbSNP rs548850521, ClinGen allele CA411093974.
Genomic context (GRCh38, chr22:28,694,043, plus strand): 5'-GCAGGGCTTCCCATGTATTTTATGCTAGCAGGCACTGTCCCACACCCACCTGAAGCCACG[G>A]GTGTCTTAAGGCTTCTTCTGTCGTAAAACGTGCCTTTGGATCCACTACCAACAACTTCTT-3'
Protein context (NP_009125.1, residues 474-494): RFTTEEALRH[Pro484Ser]WLQDEDMKRK

ClinVar aggregate classification (germline): Uncertain significance. Review status: criteria provided, multiple submitters, no conflicts (2 of 4 stars). 3 submissions from 3 submitters: Uncertain significance (3). Last evaluated 2025-12-15.

Conditions:
Hereditary cancer-predisposing syndrome. Also called: Neoplastic Syndromes, Hereditary; Hereditary neoplastic syndrome; Tumor predisposition; Hereditary Cancer Syndrome. Identifiers: Orphanet 140162, MedGen C0027672, MeSH D009386, MONDO:0015356.
Familial cancer of breast. Also called: Hereditary breast cancer; BREAST CANCER, FAMILIAL; hereditary breast carcinoma. Identifiers: Orphanet 227535, MedGen C0346153, MONDO:0016419, OMIM 114480. Disease mechanism: loss of function.

Submissions (3):

Ambry Genetics
Classification: Uncertain significance for Hereditary cancer-predisposing syndrome. Last evaluated: 2025-12-15. Review status: criteria provided, single submitter. Criteria: Ambry Variant Classification Scheme 2023. Collection method: clinical testing. Allele origin: germline.
Comment: The p.P484S variant (also known as c.1450C>T), located in coding exon 12 of the CHEK2 gene, results from a C to T substitution at nucleotide position 1450. The proline at codon 484 is replaced by serine, an amino acid with similar properties. This amino acid position is highly conserved in available vertebrate species. In addition, the in silico prediction for this alteration is inconclusive. Since supporting evidence is limited at this time, the clinical significance of this alteration remains unclear.

Labcorp Genetics (formerly Invitae), Labcorp
Classification: Uncertain significance for Familial cancer of breast. Last evaluated: 2023-02-21. Review status: criteria provided, single submitter. Criteria: Invitae Variant Classification Sherloc (09022015). Collection method: clinical testing. Allele origin: germline.
Comment: In summary, the available evidence is currently insufficient to determine the role of this variant in disease. Therefore, it has been classified as a Variant of Uncertain Significance. An algorithm developed to predict the effect of missense changes on protein structure and function (PolyPhen-2) suggests that this variant is likely to be tolerated. ClinVar contains an entry for this variant (Variation ID: 628381). This variant has not been reported in the literature in individuals affected with CHEK2-related conditions. This variant is not present in population databases (gnomAD no frequency). This sequence change replaces proline, which is neutral and non-polar, with serine, which is neutral and polar, at codon 484 of the CHEK2 protein (p.Pro484Ser).

Color Diagnostics, LLC DBA Color Health
Classification: Uncertain significance for Hereditary cancer-predisposing syndrome. Last evaluated: 2018-11-18. Review status: criteria provided, single submitter. Criteria: ACMG Guidelines, 2015. Collection method: clinical testing. Allele origin: germline.